The following is an entry in ClinVar:

ClinVar aggregate classification (germline): Likely pathogenic (1 of 4 stars; one submission).

Conditions:
Polycystic kidney disease, adult type (PKD1). Also called: Polycystic Kidney, Autosomal Dominant; POLYCYSTIC KIDNEY DISEASE 1 WITH OR WITHOUT POLYCYSTIC LIVER DISEASE; POLYCYSTIC KIDNEY DISEASE, ADULT, TYPE I; Polycystic Kidney Disease 1, Autosomal Dominant; Polycystic kidney disease 1; Polycystic kidney disease 1, severe. Identifiers: MedGen C3149841, MONDO:0008263, OMIM 173900.

gnomAD v4.1: 1 of 1,512,778 alleles (0.000066%); highest among the groups gnomAD compares: Non-Finnish European, 0.000089%; no homozygotes.

Submission:

Greenwood Genetic Center Diagnostic Laboratories, Greenwood Genetic Center
Classification: Likely pathogenic for Polycystic kidney disease, adult type. Last evaluated: 2024-04-11. Review status: criteria provided, single submitter. Criteria: ACMG Guidelines, 2015. Collection method: clinical testing. Allele origin: germline. Affected: yes.
Comment: PVS1, PM2

NM_001009944.3(PKD1):c.2285G>A (p.Trp762Ter)

Gene: PKD1 (polycystin 1, transient receptor potential channel interacting; minus strand). Cytogenetic location: 16p13.3.
Variant type: single nucleotide variant.
Coding change: c.2285G>A on transcript NM_001009944.3 (MANE Select); coding-DNA position 2285, G replaced by A.
Protein change: p.Trp762Ter; replaces tryptophan 762 with a stop codon.
Molecular consequence: nonsense.
Genome position (GRCh38, 1-based): chr16:2,114,738, C>T on the plus strand (G>A on the coding strand, the complement: PKD1 is on the minus strand). VCF-style: chr16-2114738-C-T. GRCh37 (hg19) VCF-style: chr16-2164739-C-T.
Other names: c.2285G>A, p.Trp762Ter (NM_000296.4); short protein forms W762*.
Identifiers: ClinVar variation 3338586 (VCV003338586.1).
Genomic context (GRCh38, chr16:2,114,738, plus strand): 5'-AGCAGCACGGTGAGCTGTTCCGTGGCTGCAAGCAGCCGCAGGGCACAGGCAGGGCAGGCC[C>T]AAGTGCCCTCCAGCTGGGCTGGCAAGTGGGGCAGCCATGACGAGGCGTTGGCGGAGAGGT-3'